The following is an entry in ClinVar:

NM_025179.4(PLXNA2):c.3651C>A (p.Gly1217=)

Gene: PLXNA2 (plexin A2; minus strand). Cytogenetic location: 1q32.2.
Variant type: single nucleotide variant.
Coding change: c.3651C>A on transcript NM_025179.4 (MANE Select); coding-DNA position 3651, C replaced by A.
Protein change: p.Gly1217=; no amino-acid change (glycine 1217 retained).
Molecular consequence: synonymous variant.
Genome position (GRCh38, 1-based): chr1:208,044,731, G>T on the plus strand (C>A on the coding strand, the complement: PLXNA2 is on the minus strand). VCF-style: chr1-208044731-G-T. GRCh37 (hg19) VCF-style: chr1-208218076-G-T.
Identifiers: ClinVar variation 3356325 (VCV003356325.1).
Genomic context (GRCh38, chr1:208,044,731, plus strand): 5'-TGGCAGGGTCAGCAAGCTGTCTGAGATGACACTCACCGAGCCAGGCGAGAACACCATCCC[G>T]CCCACGTGAACCTGTGCATTGTACACATACAGACGCACATGGATGCACACAGGTGTAGAG-3'
Protein context (NP_079455.3, residues 1207-1227): TGQHKVMVHV[Gly1217=]GMVFSPGSVS

ClinVar aggregate classification (germline): Likely benign (0 of 4 stars; one submission).

Conditions:
PLXNA2-related disorder. Also called: PLXNA2-related condition.

gnomAD v4.1: 3 of 1,612,936 alleles (0.00019%); highest among the groups gnomAD compares: African/African-American, 0.004%; no homozygotes.

Submission:

PreventionGenetics, part of Exact Sciences
Classification: Likely benign for PLXNA2-related condition. Last evaluated: 2023-05-10. Review status: no assertion criteria provided. Collection method: clinical testing. Allele origin: germline.
Comment: This variant is classified as likely benign based on ACMG/AMP sequence variant interpretation guidelines (Richards et al. 2015 PMID: 25741868, with internal and published modifications).